The following is an entry in ClinVar:

ClinVar aggregate classification (germline): Pathogenic (1 of 4 stars; one submission).

Submission:

Labcorp Genetics (formerly Invitae), Labcorp
Classification: Pathogenic. Last evaluated: 2022-09-01. Review status: criteria provided, single submitter. Criteria: Invitae Variant Classification Sherloc (09022015). Collection method: clinical testing. Allele origin: germline.
Comment: For these reasons, this variant has been classified as Pathogenic. This variant has not been reported in the literature in individuals affected with ARHGEF18-related conditions. This variant is not present in population databases (gnomAD no frequency). This sequence change creates a premature translational stop signal (p.Lys196*) in the ARHGEF18 gene. It is expected to result in an absent or disrupted protein product. Loss-of-function variants in ARHGEF18 are known to be pathogenic (PMID: 28132693).

Literature cited by the submitters: PubMed 28132693.

NM_001367823.1(ARHGEF18):c.1150A>T (p.Lys384Ter)

Gene: ARHGEF18 (Rho/Rac guanine nucleotide exchange factor 18; plus strand). Cytogenetic location: 19p13.2.
Variant type: single nucleotide variant.
Coding change: c.1150A>T on transcript NM_001367823.1 (MANE Select); coding-DNA position 1150, A replaced by T.
Protein change: p.Lys384Ter; replaces lysine 384 with a stop codon.
Molecular consequence: nonsense.
Genome position (GRCh38, 1-based): chr19:7,441,696, A>T. VCF-style: chr19-7441696-A-T. GRCh37 (hg19) VCF-style: chr19-7506582-A-T.
Other names: c.424A>T, p.Lys142Ter (NM_001130955.2); c.112A>T, p.Lys38Ter (NM_001367824.1, NM_015318.4); short protein forms K384*, K142*, K38*.
Identifiers: ClinVar variation 2020973 (VCV002020973.4), dbSNP rs2512446194, ClinGen allele CA403098270.